The following is an entry in ClinVar:

ClinVar aggregate classification (germline): Benign/Likely benign. Review status: criteria provided, multiple submitters, no conflicts (2 of 4 stars). 6 submissions from 6 submitters: Benign (4); Likely benign (1). 1 of the submissions does not count toward it. Last evaluated 2024-11-27.

Conditions:
PKD1L1-related disorder. Also called: PKD1L1-related condition.
Heterotaxy, visceral, 8, autosomal (HTX8). Identifiers: MedGen C4310668, MONDO:0014967, OMIM 617205.

Allele frequency attached by ClinVar (database versions not stated): gnomAD exomes 0.28310 and 0.28956; ExAC 0.29895; 1000 Genomes Project 0.30431; 1000 Genomes Project 30x 0.31184; gnomAD 0.32556 and 0.32993; ESP Exome Variant Server 0.32662; TOPMed 0.32721.
gnomAD v4.1: 461,243 of 1,605,952 alleles (29%); highest among the groups gnomAD compares: African/African-American, 44%; 69,370 homozygotes.

Submissions (12):

Blueprint Genetics
Classification: Likely benign. Last evaluated: 2024-11-27. Review status: criteria provided, single submitter. Criteria: ACMG Guidelines, 2015. Collection method: clinical testing. Allele origin: germline.

Labcorp Genetics (formerly Invitae), Labcorp
Classification: Benign. Last evaluated: 2024-10-15. Review status: criteria provided, single submitter. Criteria: Invitae Variant Classification Sherloc (09022015). Collection method: clinical testing. Allele origin: germline.

Genome-Nilou Lab
Classification: Benign for Heterotaxy, visceral, 8, autosomal. Last evaluated: 2021-09-05. Review status: criteria provided, single submitter. Criteria: ACMG Guidelines, 2015. Collection method: clinical testing. Allele origin: germline. Affected: no.

GeneDx
Classification: Benign. Last evaluated: 2021-06-09. Review status: criteria provided, single submitter. Criteria: GeneDx Variant Classification Process June 2021. Collection method: clinical testing. Allele origin: germline. Affected: yes.

Breakthrough Genomics
Classification: Benign. Review status: criteria provided, single submitter. Criteria: ACMG Guidelines, 2015. Collection method: not provided. Allele origin: germline. Inheritance: Autosomal recessive inheritance. Affected: yes.

PreventionGenetics, part of Exact Sciences
Classification: Benign for PKD1L1-related condition. Last evaluated: 2019-03-29. Review status: no assertion criteria provided. Collection method: clinical testing. Allele origin: germline. Not counted in ClinVar's aggregate classification.
Comment: This variant is classified as benign based on ACMG/AMP sequence variant interpretation guidelines (Richards et al. 2015 PMID: 25741868, with internal and published modifications).

Dr. Peter K. Rogan Lab, Western University
No classification provided (evidence only). Condition: Malignant lymphoma, large B-cell, diffuse. Review status: no classification provided. Collection method: in vitro. Allele origin: not applicable. Functional consequence: retained intron. Not counted in ClinVar's aggregate classification.

Dr. Peter K. Rogan Lab, Western University
No classification provided (evidence only). Condition: Malignant lymphoma, large B-cell, diffuse. Review status: no classification provided. Collection method: in vitro. Allele origin: not applicable. Functional consequence: retained intron. Not counted in ClinVar's aggregate classification.

Dr. Peter K. Rogan Lab, Western University
No classification provided (evidence only). Condition: Malignant lymphoma, large B-cell, diffuse. Review status: no classification provided. Collection method: in vitro. Allele origin: not applicable. Functional consequence: retained intron. Not counted in ClinVar's aggregate classification.

Dr. Peter K. Rogan Lab, Western University
No classification provided (evidence only). Condition: Hepatocellular carcinoma. Review status: no classification provided. Collection method: in vitro. Allele origin: not applicable. Functional consequence: retained intron. Not counted in ClinVar's aggregate classification.

Dr. Peter K. Rogan Lab, Western University
No classification provided (evidence only). Condition: Hepatocellular carcinoma. Review status: no classification provided. Collection method: in vitro. Allele origin: not applicable. Functional consequence: retained intron. Not counted in ClinVar's aggregate classification.

Dr. Peter K. Rogan Lab, Western University
No classification provided (evidence only). Condition: Hepatocellular carcinoma. Review status: no classification provided. Collection method: in vitro. Allele origin: not applicable. Functional consequence: retained intron. Not counted in ClinVar's aggregate classification.

NM_138295.5(PKD1L1):c.3813C>T (p.Gly1271=)

Gene: PKD1L1 (polycystin 1 like 1, transient receptor potential channel interacting; minus strand). Cytogenetic location: 7p12.3.
Variant type: single nucleotide variant.
Coding change: c.3813C>T on transcript NM_138295.5 (MANE Select); coding-DNA position 3813, C replaced by T.
Protein change: p.Gly1271=; no amino-acid change (glycine 1271 retained).
Molecular consequence: synonymous variant.
Genome position (GRCh38, 1-based): chr7:47,873,982, G>A on the plus strand (C>T on the coding strand, the complement: PKD1L1 is on the minus strand). VCF-style: chr7-47873982-G-A. GRCh37 (hg19) VCF-style: chr7-47913580-G-A.
Identifiers: ClinVar variation 1232755 (VCV001232755.13), dbSNP rs73105162, ClinGen allele CA4253295.
Genomic context (GRCh38, chr7:47,873,982, plus strand): 5'-TCCATGGTAGCGGGGCAGCACAGTCACCACCACAGTGCACGGCTGGACCTTGGAGCCTTT[G>A]CCATCTGTGATTTCAGTGGAAACCATGACTGTGAGGGAACATGTCAGAAGAGGGTCATCT-3'
Protein context (NP_612152.1, residues 1261-1281): KVMVSTEITD[Gly1271=]KGSKVQPCTV